The following is an entry in ClinVar:

NM_032607.3(CREB3L3):c.1130_1139del (p.Pro377fs)

Gene: CREB3L3 (cAMP responsive element binding protein 3 like 3; plus strand). Cytogenetic location: 19p13.3.
Variant type: Deletion.
Coding change: c.1130_1139del on transcript NM_032607.3 (MANE Select); coding-DNA positions 1130 to 1139, 10 bases deleted (CAGGCTCCGA; older notation c.1130_1139delCAGGCTCCGA).
Protein change: p.Pro377fs; shifts the reading frame from proline 377.
Molecular consequence: frameshift variant. On other transcripts: 3 prime UTR variant (1).
Genome position (GRCh38, 1-based): chr19:4,171,713-4,171,722, CAGGCTCCGA deleted. VCF-style (leftmost placement, unchanged base first): chr19-4171712-CCAGGCTCCGA-C. GRCh37 (hg19) VCF-style: chr19-4171709-CCAGGCTCCGA-C.
Other names: c.1127_1136del, p.Pro376fs (NM_001271995.2); c.1124_1133del, p.Pro375fs (NM_001271996.2); c.*9_*18del (NM_001271997.2); short protein forms P375fs, P376fs, P377fs.
Identifiers: ClinVar variation 3682407 (VCV003682407.2).

ClinVar aggregate classification (germline): Uncertain significance (1 of 4 stars; one submission).

Submission:

Labcorp Genetics (formerly Invitae), Labcorp
Classification: Uncertain significance. Last evaluated: 2024-11-15. Review status: criteria provided, single submitter. Criteria: Invitae Variant Classification Sherloc (09022015). Collection method: clinical testing. Allele origin: germline.
Comment: This sequence change creates a premature translational stop signal (p.Pro377Argfs*32) in the CREB3L3 gene. While this is not anticipated to result in nonsense mediated decay, it is expected to disrupt the last 85 amino acid(s) of the CREB3L3 protein. This variant is not present in population databases (gnomAD no frequency). This variant has not been reported in the literature in individuals affected with CREB3L3-related conditions. Experimental studies and prediction algorithms are not available or were not evaluated, and the functional significance of this variant is currently unknown. In summary, the available evidence is currently insufficient to determine the role of this variant in disease. Therefore, it has been classified as a Variant of Uncertain Significance.